The following is an entry in ClinVar:

NM_004863.4(SPTLC2):c.327+5C>G

Gene: SPTLC2 (serine palmitoyltransferase long chain base subunit 2; minus strand). Cytogenetic location: 14q24.3.
Variant type: single nucleotide variant.
Coding change: c.327+5C>G on transcript NM_004863.4 (MANE Select); 5 bases into the intron after coding-DNA position 327, C replaced by G.
Molecular consequence: intron variant.
Genome position (GRCh38, 1-based): chr14:77,597,181, G>C on the plus strand (C>G on the coding strand, the complement: SPTLC2 is on the minus strand). VCF-style: chr14-77597181-G-C. GRCh37 (hg19) VCF-style: chr14-78063524-G-C.
Identifiers: ClinVar variation 569442 (VCV000569442.8), dbSNP rs1385358452, ClinGen allele CA615230094.

ClinVar aggregate classification (germline): Uncertain significance (1 of 4 stars; one submission).

Conditions:
Neuropathy, hereditary sensory and autonomic, type 1C. Also called: HSAN IC; HSN IC. Identifiers: Orphanet 36386, MedGen C3150896, MONDO:0013337, OMIM 613640.

Allele frequency attached by ClinVar (database versions not stated): gnomAD exomes below 0.00001 and 0.00001.
gnomAD v4.1: 15 of 1,613,748 alleles (0.00093%); highest among the groups gnomAD compares: Non-Finnish European, 0.0012%; no homozygotes.

Submission:

Labcorp Genetics (formerly Invitae), Labcorp
Classification: Uncertain significance for Neuropathy, hereditary sensory and autonomic, type 1C. Last evaluated: 2021-02-24. Review status: criteria provided, single submitter. Criteria: Invitae Variant Classification Sherloc (09022015). Collection method: clinical testing. Allele origin: germline.
Comment: In summary, the available evidence is currently insufficient to determine the role of this variant in disease. Therefore, it has been classified as a Variant of Uncertain Significance. Nucleotide substitutions within the consensus splice site are a relatively common cause of aberrant splicing (PMID: 17576681, 9536098). Algorithms developed to predict the effect of sequence changes on RNA splicing suggest that this variant may create or strengthen a splice site, but this prediction has not been confirmed by published transcriptional studies. This variant has not been reported in the literature in individuals with SPTLC2-related disease. This variant is not present in population databases (ExAC no frequency). This sequence change falls in intron 2 of the SPTLC2 gene. It does not directly change the encoded amino acid sequence of the SPTLC2 protein, but it affects a nucleotide within the consensus splice site of the intron.

Literature cited by the submitters: PubMed 17576681; PubMed 9536098.